The following is an entry in ClinVar:

NM_001290043.2(TAP2):c.1060C>T (p.Arg354Cys)

Gene: TAP2 (transporter 2, ATP binding cassette subfamily B member; minus strand). Cytogenetic location: 6p21.32.
Variant type: single nucleotide variant.
Coding change: c.1060C>T on transcript NM_001290043.2 (MANE Select); coding-DNA position 1060, C replaced by T.
Protein change: p.Arg354Cys; replaces arginine 354 with cysteine.
Molecular consequence: missense variant.
Genome position (GRCh38, 1-based): chr6:32,832,710, G>A on the plus strand (C>T on the coding strand, the complement: TAP2 is on the minus strand). VCF-style: chr6-32832710-G-A. GRCh37 (hg19) VCF-style: chr6-32800487-G-A.
Other names: c.1060C>T, p.Arg354Cys (NM_000544.3, NM_018833.3); short protein forms R354C.
Identifiers: ClinVar variation 2142212 (VCV002142212.4), dbSNP rs897741207, ClinGen allele CA136999884.

ClinVar aggregate classification (germline): Uncertain significance (1 of 4 stars; one submission).

Conditions:
MHC class I deficiency. Identifiers: Orphanet 34592, MedGen C6024714, MONDO:0011476.

Allele frequency attached by ClinVar (database versions not stated): gnomAD 0.00001; TOPMed 0.00001.
gnomAD v4.1: 5 of 1,612,870 alleles (0.00031%); highest among the groups gnomAD compares: African/African-American, 0.0027%; no homozygotes.

Submission:

Labcorp Genetics (formerly Invitae), Labcorp
Classification: Uncertain significance for MHC class I deficiency 1. Last evaluated: 2022-02-19. Review status: criteria provided, single submitter. Criteria: Invitae Variant Classification Sherloc (09022015). Collection method: clinical testing. Allele origin: germline.
Comment: This sequence change replaces arginine, which is basic and polar, with cysteine, which is neutral and slightly polar, at codon 354 of the TAP2 protein (p.Arg354Cys). In summary, the available evidence is currently insufficient to determine the role of this variant in disease. Therefore, it has been classified as a Variant of Uncertain Significance. Algorithms developed to predict the effect of missense changes on protein structure and function are either unavailable or do not agree on the potential impact of this missense change (SIFT: "Deleterious"; PolyPhen-2: "Not Available"; Align-GVGD: "Class C0"). This variant has not been reported in the literature in individuals affected with TAP2-related conditions. This variant is present in population databases (no rsID available, gnomAD 0.007%).